The following is an entry in ClinVar:

NM_152309.3(PIK3AP1):c.182T>A (p.Phe61Tyr)

Gene: PIK3AP1 (phosphoinositide-3-kinase adaptor protein 1; minus strand). Cytogenetic location: 10q24.1.
Variant type: single nucleotide variant.
Coding change: c.182T>A on transcript NM_152309.3 (MANE Select); coding-DNA position 182, T replaced by A.
Protein change: p.Phe61Tyr; replaces phenylalanine 61 with tyrosine.
Molecular consequence: missense variant.
Genome position (GRCh38, 1-based): chr10:96,709,815, A>T on the plus strand (T>A on the coding strand, the complement: PIK3AP1 is on the minus strand). VCF-style: chr10-96709815-A-T. GRCh37 (hg19) VCF-style: chr10-98469572-A-T.
Other names: short protein forms F61Y.
Identifiers: ClinVar variation 661417 (VCV000661417.8), dbSNP rs1295938169, ClinGen allele CA377759937.
Genomic context (GRCh38, chr10:96,709,815, plus strand): 5'-TTGTGGAAGTGCTGCACCAGCTCCGCGGACAGCAGCACCACGACACAGCGGGTGCTGAGG[A>T]AAAGGCTTAGGTCCTCTGCCGAGAAGGAGGCCTCGGGGCCCAGCCTGTGAGTCAGTATCT-3'
Protein context (NP_689522.2, residues 51-71): ASFSAEDLSL[Phe61Tyr]LSTRCVVVLL

ClinVar aggregate classification (germline): Uncertain significance (1 of 4 stars; one submission).

Conditions:
Infantile spasms. Also called: Infantile spasm. Identifiers: MedGen C3887898, HP:0012469.

Submission:

Labcorp Genetics (formerly Invitae), Labcorp
Classification: Uncertain significance for Infantile spasms. Last evaluated: 2018-09-20. Review status: criteria provided, single submitter. Criteria: Invitae Variant Classification Sherloc (09022015). Collection method: clinical testing. Allele origin: germline.
Comment: This sequence change replaces phenylalanine with tyrosine at codon 61 of the PIK3AP1 protein (p.Phe61Tyr). The phenylalanine residue is moderately conserved and there is a small physicochemical difference between phenylalanine and tyrosine. This variant is not present in population databases (ExAC no frequency). This variant has not been reported in the literature in individuals with PIK3AP1-related disease. Algorithms developed to predict the effect of missense changes on protein structure and function are either unavailable or do not agree on the potential impact of this missense change (SIFT: "Tolerated"; PolyPhen-2: "Probably Damaging"; Align-GVGD: "Class C0"). In summary, the available evidence is currently insufficient to determine the role of this variant in disease. Therefore, it has been classified as a Variant of Uncertain Significance.